The following is an entry in ClinVar:

ClinVar aggregate classification (germline): Likely benign. Review status: criteria provided, multiple submitters, no conflicts (2 of 4 stars). 2 submissions from 2 submitters: Likely benign (2). Last evaluated 2018-01-13.

Conditions:
Congenital muscular dystrophy due to partial LAMA2 deficiency. Identifiers: MedGen C1842898.

Allele frequency attached by ClinVar (database versions not stated): 1000 Genomes Project 30x 0.01983; 1000 Genomes Project 0.02017; gnomAD 0.02839 and 0.02904; TOPMed 0.02920.
gnomAD v4.1: 40,105 of 1,202,312 alleles (3.3%); highest among the groups gnomAD compares: Middle Eastern, 7.8%; 785 homozygotes.

Submissions (2):

Illumina Laboratory Services, Illumina
Classification: Likely benign for Congenital muscular dystrophy due to partial LAMA2 deficiency. Last evaluated: 2018-01-13. Review status: criteria provided, single submitter. Criteria: ICSL Variant Classification Criteria 13 December 2019. Collection method: clinical testing. Allele origin: germline.
Comment: This variant was observed in the ICSL laboratory as part of a predisposition screen in an ostensibly healthy population. It had not been previously curated by ICSL or reported in the Human Gene Mutation Database (HGMD: prior to June 1st, 2018), and was therefore a candidate for classification through an automated scoring system. Utilizing variant allele frequency, disease prevalence and penetrance estimates, and inheritance mode, an automated score was calculated to assess if this variant is too frequent to cause the disease. Based on the score and internal cut-off values, a variant classified as likely benign is not then subjected to further curation. The score for this variant resulted in a classification of likely benign for this disease.

Breakthrough Genomics
Classification: Likely benign. Review status: criteria provided, single submitter. Criteria: ACMG Guidelines, 2015. Collection method: not provided. Allele origin: germline. Inheritance: Autosomal recessive inheritance. Affected: yes.

NM_000426.4(LAMA2):c.-99A>G

Gene: LAMA2 (laminin subunit alpha 2; plus strand). Cytogenetic location: 6q22.33.
Variant type: single nucleotide variant.
Coding change: c.-99A>G on transcript NM_000426.4 (MANE Select); 99 bases upstream of the start codon, A replaced by G.
Molecular consequence: 5 prime UTR variant.
Genome position (GRCh38, 1-based): chr6:128,883,147, A>G. VCF-style: chr6-128883147-A-G. GRCh37 (hg19) VCF-style: chr6-129204292-A-G.
Other names: c.-99A>G (NM_001079823.2).
Identifiers: ClinVar variation 355234 (VCV000355234.6), dbSNP rs111531732, ClinGen allele CA10622893.